The following is an entry in ClinVar:

NM_001006658.3(CR2):c.740G>A (p.Arg247Gln)

Gene: CR2 (complement C3d receptor 2; plus strand). Cytogenetic location: 1q32.2.
Variant type: single nucleotide variant.
Coding change: c.740G>A on transcript NM_001006658.3 (MANE Select); coding-DNA position 740, G replaced by A.
Protein change: p.Arg247Gln; replaces arginine 247 with glutamine.
Molecular consequence: missense variant.
Genome position (GRCh38, 1-based): chr1:207,469,155, G>A. VCF-style: chr1-207469155-G-A. GRCh37 (hg19) VCF-style: chr1-207642500-G-A.
Other names: c.740G>A, p.Arg247Gln (NM_001877.5); short protein forms R247Q.
Identifiers: ClinVar variation 862058 (VCV000862058.9), dbSNP rs150622293, ClinGen allele CA1368537.

ClinVar aggregate classification (germline): Conflicting classifications of pathogenicity. Review status: criteria provided, conflicting classifications (1 of 4 stars). 2 submissions from 2 submitters: Uncertain significance (1); Likely benign (1). Last evaluated 2025-06-16.

Conditions:
Immunodeficiency, common variable, 7. Identifiers: Orphanet 1572, Orphanet 696894, MedGen C3542922, MONDO:0013862, OMIM 614699.
Inborn genetic diseases. Identifiers: MedGen C0950123, MeSH D030342.

Allele frequency attached by ClinVar (database versions not stated): ExAC 0.00002; gnomAD 0.00004 and 0.00005; 1000 Genomes Project 30x 0.00016; ESP Exome Variant Server 0.00023; TOPMed 0.00004; gnomAD exomes below 0.00001; 1000 Genomes Project 0.00020.
gnomAD v4.1: 51 of 1,613,774 alleles (0.0032%); highest among the groups gnomAD compares: South Asian, 0.0044%; no homozygotes.

Submissions (2):

Ambry Genetics
Classification: Likely benign for Inborn genetic diseases. Last evaluated: 2025-06-16. Review status: criteria provided, single submitter. Criteria: Ambry Variant Classification Scheme 2023. Collection method: clinical testing. Allele origin: germline.

Labcorp Genetics (formerly Invitae), Labcorp
Classification: Uncertain significance for Immunodeficiency, common variable, 7. Last evaluated: 2023-12-07. Review status: criteria provided, single submitter. Criteria: Invitae Variant Classification Sherloc (09022015). Collection method: clinical testing. Allele origin: germline.
Comment: This sequence change replaces arginine, which is basic and polar, with glutamine, which is neutral and polar, at codon 247 of the CR2 protein (p.Arg247Gln). This variant is present in population databases (rs150622293, gnomAD 0.004%). This variant has not been reported in the literature in individuals affected with CR2-related conditions. ClinVar contains an entry for this variant (Variation ID: 862058). Algorithms developed to predict the effect of missense changes on protein structure and function output the following: SIFT: "Not Available"; PolyPhen-2: "Benign"; Align-GVGD: "Not Available". The glutamine amino acid residue is found in multiple mammalian species, which suggests that this missense change does not adversely affect protein function. In summary, the available evidence is currently insufficient to determine the role of this variant in disease. Therefore, it has been classified as a Variant of Uncertain Significance.